The following is an entry in ClinVar:

ClinVar aggregate classification (germline): Uncertain significance (1 of 4 stars; one submission).

Conditions:
Fabry disease. Also called: Fabry's disease; ALPHA-GALACTOSIDASE A DEFICIENCY; ANDERSON-FABRY DISEASE; CERAMIDE TRIHEXOSIDASE DEFICIENCY; GLA DEFICIENCY; HEREDITARY DYSTOPIC LIPIDOSIS. Identifiers: Orphanet 324, MedGen C0002986, MONDO:0010526, OMIM 301500, HP:0001071. Disease mechanism: Fabry disease is due to inactivating mutations in the X-linked GLA gene resulting in deficiency of the enzyme Alpha Galactosidase-A., loss of function.

Submission:

Labcorp Genetics (formerly Invitae), Labcorp
Classification: Uncertain significance for Fabry disease. Last evaluated: 2023-04-27. Review status: criteria provided, single submitter. Criteria: Invitae Variant Classification Sherloc (09022015). Collection method: clinical testing. Allele origin: germline.
Comment: This variant has not been reported in the literature in individuals affected with GLA-related conditions. Advanced modeling of protein sequence and biophysical properties (such as structural, functional, and spatial information, amino acid conservation, physicochemical variation, residue mobility, and thermodynamic stability) performed at Invitae indicates that this missense variant is not expected to disrupt GLA protein function. This variant disrupts the p.Asp244 amino acid residue in GLA. Other variant(s) that disrupt this residue have been observed in individuals with GLA-related conditions (PMID: 7531540, 10666480), which suggests that this may be a clinically significant amino acid residue. In summary, the available evidence is currently insufficient to determine the role of this variant in disease. Therefore, it has been classified as a Variant of Uncertain Significance. This variant is not present in population databases (gnomAD no frequency). This sequence change replaces aspartic acid, which is acidic and polar, with glutamic acid, which is acidic and polar, at codon 244 of the GLA protein (p.Asp244Glu).

Literature cited by the submitters: PubMed 7531540; PubMed 10666480.

NM_000169.3(GLA):c.732C>G (p.Asp244Glu)

Genes: GLA (galactosidase alpha; minus strand), RPL36A-HNRNPH2 (RPL36A-HNRNPH2 readthrough; plus strand). Cytogenetic location: Xq22.1.
Variant type: single nucleotide variant.
Coding change: c.732C>G on transcript NM_000169.3 (MANE Select); coding-DNA position 732, C replaced by G.
Protein change: p.Asp244Glu; replaces aspartic acid 244 with glutamic acid.
Molecular consequence: missense variant. On other transcripts: non-coding transcript variant (3), intron variant (2).
Genome position (GRCh38, 1-based): chrX:101,398,854, G>C on the plus strand (C>G on the coding strand, the complement: GLA is on the minus strand). VCF-style: chrX-101398854-G-C. GRCh37 (hg19) VCF-style: chrX-100653842-G-C.
Other names: c.855C>G, p.Asp285Glu (NM_001406747.1); c.732C>G, p.Asp244Glu (NM_001406748.1); c.300+3397G>C (NM_001199973.2); c.177+7032G>C (NM_001199974.2); short protein forms D244E, D285E.
Identifiers: ClinVar variation 2920257 (VCV002920257.3), dbSNP rs2520870152, ClinGen allele CA413924399.